The following is an entry in ClinVar:

ClinVar aggregate classification (germline): Uncertain significance (1 of 4 stars; one submission).

Conditions:
Inborn genetic diseases. Identifiers: MedGen C0950123, MeSH D030342.

Submission:

Ambry Genetics
Classification: Uncertain significance for Inborn genetic diseases. Last evaluated: 2025-04-08. Review status: criteria provided, single submitter. Criteria: Ambry Variant Classification Scheme 2023. Collection method: clinical testing. Allele origin: germline.
Comment: The p.E614A variant (also known as c.1841A>C), located in coding exon 8 of the MECOM gene, results from an A to C substitution at nucleotide position 1841. The glutamic acid at codon 614 is replaced by alanine, an amino acid with dissimilar properties. This amino acid position is conserved. In addition, this alteration is predicted to be tolerated by in silico analysis. Based on the available evidence, the clinical significance of this variant remains unclear.

NM_004991.4(MECOM):c.1841A>C (p.Glu614Ala)

Gene: MECOM (MDS1 and EVI1 complex locus; minus strand). Cytogenetic location: 3q26.2.
Variant type: single nucleotide variant.
Coding change: c.1841A>C on transcript NM_004991.4 (MANE Select); coding-DNA position 1841, A replaced by C.
Protein change: p.Glu614Ala; replaces glutamic acid 614 with alanine.
Molecular consequence: missense variant. On other transcripts: intron variant (2).
Genome position (GRCh38, 1-based): chr3:169,116,031, T>G on the plus strand (A>C on the coding strand, the complement: MECOM is on the minus strand). VCF-style: chr3-169116031-T-G. GRCh37 (hg19) VCF-style: chr3-168833819-T-G.
Other names: c.1472A>C, p.Glu491Ala (NM_001105077.4); c.1277A>C, p.Glu426Ala (NM_001105078.4, NM_001164000.2, NM_001205194.2 and 4 more transcripts); c.1280A>C, p.Glu427Ala (NM_001163999.2, NM_001366467.2, NM_001366468.2 and 1 more transcripts); c.1841A>C, p.Glu614Ala (NM_001366466.2); c.1133-264A>C (NM_001366473.2); c.569-264A>C (NM_001366474.2); short protein forms E427A, E614A, E426A, E491A.
Identifiers: ClinVar variation 4053159 (VCV004053159.1).